The following is an entry in ClinVar:

NM_017934.7(PHIP):c.3656+8C>G

Genes: IRAK1BP1 (interleukin 1 receptor associated kinase 1 binding protein 1; plus strand), PHIP (PHIP subunit of CUL4-Ring ligase complex; minus strand). Cytogenetic location: 6q14.1.
Variant type: single nucleotide variant.
Coding change: c.3656+8C>G on transcript NM_017934.7 (MANE Select); 8 bases into the intron after coding-DNA position 3656, C replaced by G.
Molecular consequence: intron variant.
Genome position (GRCh38, 1-based): chr6:78,961,682, G>C on the plus strand (C>G on the coding strand, the complement: PHIP is on the minus strand). VCF-style: chr6-78961682-G-C. GRCh37 (hg19) VCF-style: chr6-79671399-G-C.
Identifiers: ClinVar variation 4989140 (VCV004989140.1).

ClinVar aggregate classification (germline): Likely benign (1 of 4 stars; one submission).

Conditions:
PHIP-related disorder. Also called: PHIP-related disorders; PHIP-related condition.

gnomAD v4.1: 4 of 1,610,922 alleles (0.00025%); highest among the groups gnomAD compares: Middle Eastern, 0.017%; no homozygotes.

Submission:

PreventionGenetics, part of Exact Sciences
Classification: Likely benign for PHIP-related condition. Last evaluated: 2026-07-13. Review status: criteria provided, single submitter. Criteria: ACMG Guidelines, 2015. Collection method: clinical testing. Allele origin: germline.
Comment: This variant is classified as likely benign based on ACMG/AMP sequence variant interpretation guidelines (Richards et al. 2015 PMID: 25741868, with internal and published modifications).